The following is an entry in ClinVar:

NM_001999.4(FBN2):c.8139G>A (p.Thr2713=)

Gene: FBN2 (fibrillin 2; minus strand). Cytogenetic location: 5q23.3.
Variant type: single nucleotide variant.
Coding change: c.8139G>A on transcript NM_001999.4 (MANE Select); coding-DNA position 8139, G replaced by A.
Protein change: p.Thr2713=; no amino-acid change (threonine 2713 retained).
Molecular consequence: synonymous variant.
Genome position (GRCh38, 1-based): chr5:128,263,478, C>T on the plus strand (G>A on the coding strand, the complement: FBN2 is on the minus strand). VCF-style: chr5-128263478-C-T. GRCh37 (hg19) VCF-style: chr5-127599170-C-T.
Identifiers: ClinVar variation 388975 (VCV000388975.11), dbSNP rs1057523293, ClinGen allele CA16604686.

ClinVar aggregate classification (germline): Likely benign. Review status: criteria provided, multiple submitters, no conflicts (2 of 4 stars). 3 submissions from 3 submitters: Likely benign (3). Last evaluated 2025-12-31.

Conditions:
Congenital contractural arachnodactyly (CCA). Also called: BEALS SYNDROME; Beals-Hecht syndrome; Arthrogryposis, distal, type 9. Identifiers: Orphanet 115, MedGen C0220668, MONDO:0007363, OMIM 121050.
Familial thoracic aortic aneurysm and aortic dissection (TAAD). Also called: Thoracic aortic aneurysms and dissections. Identifiers: Orphanet 91387, MedGen C4707243, MONDO:0019625.

Allele frequency attached by ClinVar (database versions not stated): gnomAD 0.00001.
gnomAD v4.1: 11 of 1,614,076 alleles (0.00068%); highest among the groups gnomAD compares: South Asian, 0.0011%; no homozygotes.

Submissions (3):

Labcorp Genetics (formerly Invitae), Labcorp
Classification: Likely benign for Congenital contractural arachnodactyly. Last evaluated: 2025-12-31. Review status: criteria provided, single submitter. Criteria: Invitae Variant Classification Sherloc (09022015). Collection method: clinical testing. Allele origin: germline.

Ambry Genetics
Classification: Likely benign for Familial thoracic aortic aneurysm and aortic dissection. Last evaluated: 2023-09-10. Review status: criteria provided, single submitter. Criteria: Ambry Variant Classification Scheme 2023. Collection method: clinical testing. Allele origin: germline.

GeneDx
Classification: Likely benign. Last evaluated: 2016-08-29. Review status: criteria provided, single submitter. Criteria: GeneDx Variant Classification (06012015). Collection method: clinical testing. Allele origin: germline. Affected: yes.
Comment: This variant is considered likely benign or benign based on one or more of the following criteria: it is a conservative change, it occurs at a poorly conserved position in the protein, it is predicted to be benign by multiple in silico algorithms, and/or has population frequency not consistent with disease.